The following is an entry in ClinVar:

NM_016507.4(CDK12):c.1841C>T (p.Ser614Phe)

Gene: CDK12 (cyclin dependent kinase 12; plus strand). Cytogenetic location: 17q12.
Variant type: single nucleotide variant.
Coding change: c.1841C>T on transcript NM_016507.4 (MANE Select); coding-DNA position 1841, C replaced by T.
Protein change: p.Ser614Phe; replaces serine 614 with phenylalanine.
Molecular consequence: missense variant.
Genome position (GRCh38, 1-based): chr17:39,471,673, C>T. VCF-style: chr17-39471673-C-T. GRCh37 (hg19) VCF-style: chr17-37627926-C-T.
Other names: c.1841C>T, p.Ser614Phe (NM_015083.4); short protein forms S614F.
Identifiers: ClinVar variation 3999516 (VCV003999516.1).

ClinVar aggregate classification (germline): Uncertain significance (1 of 4 stars; one submission).

gnomAD v4.1: 1 of 1,613,978 alleles (0.000062%); highest among the groups gnomAD compares: African/African-American, 0.0013%; no homozygotes.

Submission:

Ambry Genetics
Classification: Uncertain significance. Last evaluated: 2025-05-31. Review status: criteria provided, single submitter. Criteria: Ambry Variant Classification Scheme 2023. Collection method: clinical testing. Allele origin: germline.
Comment: The p.S614F variant (also known as c.1841C>T), located in coding exon 2 of the CDK12 gene, results from a C to T substitution at nucleotide position 1841. The serine at codon 614 is replaced by phenylalanine, an amino acid with highly dissimilar properties. This amino acid position is conserved. In addition, the in silico prediction for this alteration is inconclusive. Based on the available evidence, the clinical significance of this variant remains unclear.